The following is an entry in ClinVar:

NM_005431.2(XRCC2):c.379C>T (p.Leu127Phe)

Gene: XRCC2 (X-ray repair cross complementing 2; minus strand). Cytogenetic location: 7q36.1.
Variant type: single nucleotide variant.
Coding change: c.379C>T on transcript NM_005431.2 (MANE Select); coding-DNA position 379, C replaced by T.
Protein change: p.Leu127Phe; replaces leucine 127 with phenylalanine.
Molecular consequence: missense variant.
Genome position (GRCh38, 1-based): chr7:152,649,106, G>A on the plus strand (C>T on the coding strand, the complement: XRCC2 is on the minus strand). VCF-style: chr7-152649106-G-A. GRCh37 (hg19) VCF-style: chr7-152346191-G-A.
Other names: short protein forms L127F.
Identifiers: ClinVar variation 1735015 (VCV001735015.3), dbSNP rs2116987951, ClinGen allele CA370198825.

ClinVar aggregate classification (germline): Uncertain significance (1 of 4 stars; one submission).

Conditions:
Hereditary cancer-predisposing syndrome. Also called: Neoplastic Syndromes, Hereditary; Tumor predisposition; Hereditary Cancer Syndrome; Hereditary neoplastic syndrome. Identifiers: Orphanet 140162, MedGen C0027672, MeSH D009386, MONDO:0015356.

Allele frequency attached by ClinVar (database versions not stated): gnomAD exomes below 0.00001.

Submission:

Ambry Genetics
Classification: Uncertain significance for Hereditary cancer-predisposing syndrome. Last evaluated: 2025-04-24. Review status: criteria provided, single submitter. Criteria: Ambry Variant Classification Scheme 2023. Collection method: clinical testing. Allele origin: germline.
Comment: The p.L127F variant (also known as c.379C>T), located in coding exon 3 of the XRCC2 gene, results from a C to T substitution at nucleotide position 379. The leucine at codon 127 is replaced by phenylalanine, an amino acid with highly similar properties. This amino acid position is conserved. In addition, the in silico prediction for this alteration is inconclusive. Since supporting evidence is limited at this time, the clinical significance of this alteration remains unclear.